The following is an entry in ClinVar:

ClinVar aggregate classification (germline): Uncertain significance (1 of 4 stars; one submission).

Conditions:
Congenital hyperammonemia, type I. Also called: Carbamoyl phosphate synthetase 1 deficiency; Hyperammonemia due to carbamoyl phosphate synthetase 1 deficiency; CPS 1 deficiency; Carbamyl phosphate synthetase (CPS) deficiency; Carbamoyl-phosphate synthase I deficiency; Carbamoyl phosphate synthetase I deficiency disease. Identifiers: Orphanet 147, MedGen C4082171, MONDO:0009376, OMIM 237300.

Allele frequency attached by ClinVar (database versions not stated): gnomAD exomes 0.00001; TOPMed 0.00001; ExAC 0.00002.
gnomAD v4.1: 5 of 1,612,528 alleles (0.00031%); highest among the groups gnomAD compares: Admixed American, 0.0017%; no homozygotes.

Submission:

Labcorp Genetics (formerly Invitae), Labcorp
Classification: Uncertain significance for Congenital hyperammonemia, type I. Last evaluated: 2024-12-19. Review status: criteria provided, single submitter. Criteria: Invitae Variant Classification Sherloc (09022015). Collection method: clinical testing. Allele origin: germline.
Comment: This sequence change replaces tyrosine, which is neutral and polar, with cysteine, which is neutral and slightly polar, at codon 339 of the CPS1 protein (p.Tyr339Cys). This variant is present in population databases (rs755446387, gnomAD 0.003%). This variant has not been reported in the literature in individuals affected with CPS1-related conditions. ClinVar contains an entry for this variant (Variation ID: 2150995). Invitae Evidence Modeling of protein sequence and biophysical properties (such as structural, functional, and spatial information, amino acid conservation, physicochemical variation, residue mobility, and thermodynamic stability) indicates that this missense variant is expected to disrupt CPS1 protein function with a positive predictive value of 80%. In summary, the available evidence is currently insufficient to determine the role of this variant in disease. Therefore, it has been classified as a Variant of Uncertain Significance.

NM_001875.5(CPS1):c.1016A>G (p.Tyr339Cys)

Gene: CPS1 (carbamoyl-phosphate synthase 1; plus strand). Cytogenetic location: 2q34.
Variant type: single nucleotide variant.
Coding change: c.1016A>G on transcript NM_001875.5 (MANE Select); coding-DNA position 1016, A replaced by G.
Protein change: p.Tyr339Cys; replaces tyrosine 339 with cysteine.
Molecular consequence: missense variant. On other transcripts: non-coding transcript variant (1).
Genome position (GRCh38, 1-based): chr2:210,591,899, A>G. VCF-style: chr2-210591899-A-G. GRCh37 (hg19) VCF-style: chr2-211456623-A-G.
Other names: c.1016A>G, p.Tyr339Cys (NM_001122633.3, NM_001369257.1); c.1049A>G, p.Tyr350Cys (NM_001369256.1); short protein forms Y339C, Y350C.
Identifiers: ClinVar variation 2150995 (VCV002150995.4), dbSNP rs755446387, ClinGen allele CA2086218.